The following is an entry in ClinVar:

NM_005751.5(AKAP9):c.4679T>C (p.Ile1560Thr)

Gene: AKAP9 (A-kinase anchoring protein 9; plus strand). Cytogenetic location: 7q21.2.
Variant type: single nucleotide variant.
Coding change: c.4679T>C on transcript NM_005751.5 (MANE Select); coding-DNA position 4679, T replaced by C.
Protein change: p.Ile1560Thr; replaces isoleucine 1560 with threonine.
Molecular consequence: missense variant.
Genome position (GRCh38, 1-based): chr7:92,038,759, T>C. VCF-style: chr7-92038759-T-C. GRCh37 (hg19) VCF-style: chr7-91668073-T-C.
Other names: c.4679T>C, p.Ile1560Thr (NM_147185.3); short protein forms I1560T.
Identifiers: ClinVar variation 1742369 (VCV001742369.2), dbSNP rs2484808730, ClinGen allele CA368129313.

ClinVar aggregate classification (germline): Uncertain significance (1 of 4 stars; one submission).

Conditions:
Cardiovascular phenotype. Identifiers: MedGen CN230736.

Allele frequency attached by ClinVar (database versions not stated): gnomAD exomes below 0.00001.

Submission:

Ambry Genetics
Classification: Uncertain significance for Cardiovascular phenotype. Last evaluated: 2022-06-09. Review status: criteria provided, single submitter. Criteria: Ambry Variant Classification Scheme 2023. Collection method: clinical testing. Allele origin: germline.
Comment: The p.I1560T variant (also known as c.4679T>C), located in coding exon 17 of the AKAP9 gene, results from a T to C substitution at nucleotide position 4679. The isoleucine at codon 1560 is replaced by threonine, an amino acid with similar properties. This amino acid position is conserved. In addition, this alteration is predicted to be tolerated by in silico analysis. Since supporting evidence is limited at this time, the clinical significance of this alteration remains unclear.